The following is an entry in ClinVar:

ClinVar aggregate classification (germline): Uncertain significance (1 of 4 stars; one submission).

Conditions:
Hereditary cancer-predisposing syndrome. Also called: Hereditary neoplastic syndrome; Neoplastic Syndromes, Hereditary; Tumor predisposition; Hereditary Cancer Syndrome. Identifiers: Orphanet 140162, MedGen C0027672, MeSH D009386, MONDO:0015356.

Submission:

Ambry Genetics
Classification: Uncertain significance for Hereditary cancer-predisposing syndrome. Last evaluated: 2024-12-23. Review status: criteria provided, single submitter. Criteria: Ambry Variant Classification Scheme 2023. Collection method: clinical testing. Allele origin: germline.
Comment: The p.A108E variant (also known as c.323C>A), located in coding exon 5 of the BRCA1 gene, results from a C to A substitution at nucleotide position 323. The alanine at codon 108 is replaced by glutamic acid, an amino acid with dissimilar properties. This amino acid position is poorly conserved in available vertebrate species. In addition, this alteration is predicted to be deleterious by in silico analysis. Based on the available evidence, the clinical significance of this variant remains unclear.

NM_007294.4(BRCA1):c.323C>A (p.Ala108Glu)

Gene: BRCA1 (BRCA1 DNA repair associated; minus strand). Cytogenetic location: 17q21.31.
Variant type: single nucleotide variant.
Coding change: c.323C>A on transcript NM_007294.4 (MANE Select); coding-DNA position 323, C replaced by A.
Protein change: p.Ala108Glu; replaces alanine 108 with glutamic acid.
Molecular consequence: missense variant. On other transcripts: 5 prime UTR variant (7), intron variant (2).
Genome position (GRCh38, 1-based): chr17:43,104,240, G>T on the plus strand (C>A on the coding strand, the complement: BRCA1 is on the minus strand). VCF-style: chr17-43104240-G-T. GRCh37 (hg19) VCF-style: chr17-41256257-G-T.
Other names: c.323C>A, p.Ala108Glu (NM_001407940.1, NM_001407941.1, NM_001407603.1 and 164 more transcripts); c.182C>A, p.Ala61Glu (NM_001407942.1, NM_001407943.1, NM_001407944.1 and 99 more transcripts); c.113C>A, p.Ala38Glu (NM_001407946.1, NM_001407947.1, NM_001407948.1 and 58 more transcripts); c.245C>A, p.Ala82Glu (NM_001407862.1, NM_001407874.1, NM_001407875.1 and 21 more transcripts); c.-59C>A (NM_001407959.1, NM_001407960.1, NM_001407962.1 and 4 more transcripts); c.314C>A, p.Ala105Glu (NM_001408408.1, NM_001407646.1, NM_001407647.1); c.191C>A, p.Ala64Glu (NM_001408451.1); c.-218-9380C>A (NM_001407967.1, NM_001407966.1); short protein forms A38E, A82E, A108E, A61E, A105E, A64E.
Identifiers: ClinVar variation 3825278 (VCV003825278.1).